The following is an entry in ClinVar:

ClinVar aggregate classification (germline): Conflicting classifications of pathogenicity. Review status: criteria provided, conflicting classifications (1 of 4 stars). 9 submissions from 9 submitters: Likely pathogenic (1); Uncertain significance (8). Last evaluated 2026-04-28.
ClinVar aggregate classification (oncogenicity): Uncertain significance (1 of 4 stars; one submission).

Conditions:
AR-related disorder. Also called: AR-related condition.
Partial androgen insensitivity syndrome (PAIS). Also called: Reifenstein syndrome; ANDROGEN INSENSITIVITY, PARTIAL, WITH OR WITHOUT BREAST CANCER; Pseudohermaphroditism, Incomplete male, type I; Reifenstein syndrome, partial; Androgen resistance syndrome, partial; Type I familial incomplete male pseudohermaphroditism. Identifiers: Orphanet 90797, MedGen C0268301, MONDO:0010720, OMIM 312300.
Kennedy disease (SMAX1). Also called: SPINAL AND BULBAR MUSCULAR ATROPHY, X-LINKED 1; KENNEDY SPINAL AND BULBAR MUSCULAR ATROPHY; Spinal and Bulbar Muscular Atrophy. Identifiers: Orphanet 481, MedGen C1839259, MONDO:0010735, OMIM 313200.
Prostate cancer. Also called: Malignant tumor of prostate. Identifiers: Orphanet 1331, MedGen C0376358, MONDO:0008315, HP:0012125.
Androgen resistance syndrome (AIS). Also called: Androgen insensitivity; ANDROGEN RECEPTOR DEFICIENCY; DIHYDROTESTOSTERONE RECEPTOR DEFICIENCY; TESTICULAR FEMINIZATION SYNDROME; Androgen insensitivity, complete; Androgen insensitivity syndrome due to coactivator deficiency. Identifiers: Orphanet 754, Orphanet 99429, MedGen C0039585, MONDO:0019154, OMIM 300068. Disease mechanism: loss of function.
Hypospadias 1, X-linked (HYSP1). Identifiers: Orphanet 440, MedGen C2678098, MONDO:0010384, OMIM 300633.
Posterior hypospadias. Identifiers: Orphanet 95706, MedGen C5231010, MONDO:0019848.
Male infertility. Identifiers: MedGen C0021364, MeSH D007248, MONDO:0005372, HP:0003251.
Neoplasm. Also called: tumor; Neoplasms; Neoplasm (disease). Identifiers: MedGen C0027651, MeSH D009369, MONDO:0005070, HP:0002664.

Allele frequency attached by ClinVar (database versions not stated): gnomAD exomes 0.00013 and 0.00007; gnomAD 0.00038 and 0.00044; ExAC below 0.00001.
gnomAD v4.1: 37 of 400,868 alleles (0.0092%); highest among the groups gnomAD compares: Admixed American, 0.044%; no homozygotes.

Submissions (10):

PreventionGenetics, part of Exact Sciences
Classification: Uncertain significance for AR-related condition. Last evaluated: 2026-04-28. Review status: criteria provided, single submitter. Criteria: ACMG Guidelines, 2015. Collection method: clinical testing. Allele origin: germline.
Comment: The AR c.173A>T variant is predicted to result in the amino acid substitution p.Gln58Leu. This variant has been reported in multiple individuals with male infertility, partial androgen insensitivity syndrome (PAIS), hypospadias, and Mayer–Rokitansky–Küster–Hauser syndrome (MRKHS) (Lund et al. 2003, PubMed ID: 12801573; Kalfa et al. 2013, PubMed ID: 23637914; Akcay et al. 2014, PubMed ID: 24737579; Zhang et al. 2019, PubMed ID: 31219235; Rocca et al. 2023, PubMed ID: 36394509; Li et al. 2024, PubMed ID: 38295708; Yuan et al. 2024, PubMed ID: 38938059). The variant is reported at a frequency of 0.043% in individuals of East Asian descent in gnomAD, including one hemizygote. However, this frequency data should be interpreted with caution, as the variant is located in a low‑complexity region and is flagged as a low‑quality site in gnomAD. At this time, the clinical significance of this variant remains uncertain due to the lack of conclusive functional and genetic evidence.

Center for Genomic Medicine, Rigshospitalet, Copenhagen University Hospital
Classification: Uncertain significance for Neoplasm. Last evaluated: 2025-12-29. Review status: criteria provided, single submitter. Criteria: ClinGen/CGC/VICC Guidelines for Oncogenicity, 2022. Collection method: clinical testing. Allele origin: somatic. Affected: yes.

Labcorp Genetics (formerly Invitae), Labcorp
Classification: Uncertain significance for Kennedy disease; Androgen resistance syndrome. Last evaluated: 2025-07-24. Review status: criteria provided, single submitter. Criteria: Invitae Variant Classification Sherloc (09022015). Collection method: clinical testing. Allele origin: germline.
Comment: This sequence change replaces glutamine, which is neutral and polar, with leucine, which is neutral and non-polar, at codon 58 of the AR protein (p.Gln58Leu). The frequency data for this variant in the population databases is considered unreliable, as metrics indicate poor data quality at this position in the gnomAD database. This missense change has been observed in individual(s) with partial or mild androgen insensitivity syndrome (PMID: 12801573, 23637914, 24737579, 31219235, 36394509, 38295708). ClinVar contains an entry for this variant (Variation ID: 402390). Invitae Evidence Modeling of protein sequence and biophysical properties (such as structural, functional, and spatial information, amino acid conservation, physicochemical variation, residue mobility, and thermodynamic stability) has been performed for this missense variant. However, the output from this modeling did not meet the statistical confidence thresholds required to predict the impact of this variant on AR protein function. In summary, the available evidence is currently insufficient to determine the role of this variant in disease. Therefore, it has been classified as a Variant of Uncertain Significance.

Dasa
Classification: Uncertain significance. Last evaluated: 2024-09-11. Review status: criteria provided, single submitter. Criteria: DASA Assertion Criteria. Collection method: clinical testing. Allele origin: germline.
Comment: NM_000044.6(AR):c.173A>T (p.Gln58Leu) is a missense variant that results in the substitution of glutamine with leucine. This variant has been reported in individuals with AR-related disorders. Also, this variant is rare in population databases. The currently available literature and clinical evidence are not sufficient to establish a definitive association between this variant and the reported condition. Therefore, this variant is classified as a variant of uncertain significance.

Institute of Reproductive Genetics, University of Münster
Classification: Likely pathogenic for Male infertility. Last evaluated: 2024-01-16. Review status: criteria provided, single submitter. Criteria: Uk Practice Guidelines For Variant Classification V4 01 2020. Collection method: research, in vitro. Allele origin: germline, not applicable. Observed: 1 variant allele, 1 hemizygote.

Department of Pathology and Laboratory Medicine, Sinai Health System
Classification: Uncertain significance for Posterior hypospadias; Partial androgen insensitivity syndrome. Last evaluated: 2023-06-28. Review status: criteria provided, single submitter. Criteria: ACMG Guidelines, 2015. Collection method: research. Allele origin: germline.

Fulgent Genetics
Classification: Uncertain significance for Familial prostate cancer; Androgen resistance syndrome; Hypospadias 1, X-linked; Partial androgen insensitivity syndrome; Kennedy disease. Last evaluated: 2018-10-31. Review status: criteria provided, single submitter. Criteria: ACMG Guidelines, 2015. Collection method: clinical testing. Allele origin: unknown.

Laboratory for Molecular Medicine, Mass General Brigham Personalized Medicine
Classification: Uncertain significance. Last evaluated: 2016-03-28. Review status: criteria provided, single submitter. Criteria: LMM Criteria. Collection method: clinical testing. Allele origin: germline.
Comment: Variant identified in a genome or exome case(s) and assessed due to predicted null impact of the variant or pathogenic assertions in the literature or databases. Disclaimer: This variant has not undergone full assessment.

Breakthrough Genomics
Classification: Uncertain significance. Review status: criteria provided, single submitter. Criteria: ACMG Guidelines, 2015. Collection method: not provided. Allele origin: germline. Inheritance: X-linked inheritance. Affected: yes.

Juno Genomics, Hangzhou Juno Genomics, Inc
Classification: Uncertain significance for Kennedy disease; Androgen resistance syndrome; Partial androgen insensitivity syndrome; Hypospadias 1, X-linked. Review status: criteria provided, single submitter. Criteria: ACMG Guidelines, 2015. Collection method: clinical testing. Allele origin: germline. Affected: yes.
Comment: Absent from controls (or at extremely low frequency if recessive) in Genome Aggregation Database.;The prevalence of the variant in affected individuals is significantly increased compared to the prevalence in controls.;Well-established in vitro or in vivo functional studies supportive of a damaging effect on the gene or gene product.

Literature cited by the submitters: PubMed 19833203 (cited by Center for Genomic Medicine, Rigshospitalet, Copenhagen University Hospital); PubMed 12801573 (cited by Labcorp Genetics (formerly Invitae), Labcorp); PubMed 23637914 (cited by Labcorp Genetics (formerly Invitae), Labcorp); PubMed 24737579 (cited by Labcorp Genetics (formerly Invitae), Labcorp); PubMed 31219235 (cited by Labcorp Genetics (formerly Invitae), Labcorp); PubMed 36394509 (cited by Labcorp Genetics (formerly Invitae), Labcorp); PubMed 38295708 (cited by Labcorp Genetics (formerly Invitae), Labcorp).

NM_000044.6(AR):c.173A>T (p.Gln58Leu)

Genes: AR (androgen receptor; plus strand), LOC109504725 (androgen receptor repeat instability region; plus strand). Cytogenetic location: Xq12.
Variant type: single nucleotide variant.
Coding change: c.173A>T on transcript NM_000044.6 (MANE Select); coding-DNA position 173, A replaced by T.
Protein change: p.Gln58Leu; replaces glutamine 58 with leucine.
Molecular consequence: missense variant. On other transcripts: 5 prime UTR variant (1).
Genome position (GRCh38, 1-based): chrX:67,545,319, A>T. VCF-style: chrX-67545319-A-T. GRCh37 (hg19) VCF-style: chrX-66765161-A-T.
Other names: c.-1611A>T (NM_001011645.3); c.173A>T, p.Gln58Leu (NM_001348061.1, NM_001348063.1, NM_001348064.1); short protein forms Q58L.
Identifiers: ClinVar variation 402390 (VCV000402390.16), dbSNP rs200185441, ClinGen allele CA10436236.